The following is an entry in ClinVar:

ClinVar aggregate classification (germline): Uncertain significance (1 of 4 stars; one submission).

Submission:

CeGaT Center for Human Genetics Tuebingen
Classification: Uncertain significance. Last evaluated: 2023-04-01. Review status: criteria provided, single submitter. Criteria: CeGaT Center For Human Genetics Tuebingen Variant Classification Criteria Version 2. Collection method: clinical testing. Allele origin: germline. Affected: yes. Observed: 1 variant allele.
Comment: SYNE1: PM2

NM_182961.4(SYNE1):c.22165A>T (p.Ile7389Phe)

Gene: SYNE1 (spectrin repeat containing nuclear envelope protein 1; minus strand). Cytogenetic location: 6q25.2.
Variant type: single nucleotide variant.
Coding change: c.22165A>T on transcript NM_182961.4 (MANE Select); coding-DNA position 22165, A replaced by T.
Protein change: p.Ile7389Phe; replaces isoleucine 7389 with phenylalanine.
Molecular consequence: missense variant.
Genome position (GRCh38, 1-based): chr6:152,218,283, T>A on the plus strand (A>T on the coding strand, the complement: SYNE1 is on the minus strand). VCF-style: chr6-152218283-T-A. GRCh37 (hg19) VCF-style: chr6-152539418-T-A.
Other names: c.21952A>T, p.Ile7318Phe (NM_033071.5); short protein forms I7318F, I7389F.
Identifiers: ClinVar variation 2657005 (VCV002657005.24), dbSNP rs2551490989, ClinGen allele CA366102305.